The following is an entry in ClinVar:

NM_002386.4(MC1R):c.159G>C (p.Leu53Phe)

Gene: MC1R (melanocortin 1 receptor; plus strand). Cytogenetic location: 16q24.3.
Variant type: single nucleotide variant.
Coding change: c.159G>C on transcript NM_002386.4 (MANE Select); coding-DNA position 159, G replaced by C.
Protein change: p.Leu53Phe; replaces leucine 53 with phenylalanine.
Molecular consequence: missense variant.
Genome position (GRCh38, 1-based): chr16:89,919,417, G>C. VCF-style: chr16-89919417-G-C. GRCh37 (hg19) VCF-style: chr16-89985825-G-C.
Other names: c.159G>C (NM_002386.3); short protein forms L53F.
Identifiers: ClinVar variation 1478304 (VCV001478304.7), dbSNP rs754647280, ClinGen allele CA8255506.
Genomic context (GRCh38, chr16:89,919,417, plus strand): 5'-CCGGTGCCTGGAGGTGTCCATCTCTGACGGGCTCTTCCTCAGCCTGGGGCTGGTGAGCTT[G>C]GTGGAGAACGCGCTGGTGGTGGCCACCATCGCCAAGAACCGGAACCTGCACTCACCCATG-3'
Protein context (NP_002377.4, residues 43-63): GLFLSLGLVS[Leu53Phe]VENALVVATI

ClinVar aggregate classification (germline): Uncertain significance. Review status: criteria provided, multiple submitters, no conflicts (2 of 4 stars). 2 submissions from 2 submitters: Uncertain significance (2). Last evaluated 2025-01-01.

Conditions:
Melanoma, cutaneous malignant, susceptibility to, 5. Also called: Cutaneous malignant melanoma 5. Identifiers: Orphanet 618, MedGen C2751295, MONDO:0013133, OMIM 613099.

Allele frequency attached by ClinVar (database versions not stated): gnomAD exomes below 0.00001 and 0.00001; ExAC 0.00001.

Submissions (2):

Ambry Genetics
Classification: Uncertain significance. Last evaluated: 2025-01-01. Review status: criteria provided, single submitter. Criteria: Ambry Variant Classification Scheme 2023. Collection method: clinical testing. Allele origin: germline.
Comment: The p.L53F variant (also known as c.159G>C), located in coding exon 1 of the MC1R gene, results from a G to C substitution at nucleotide position 159. The leucine at codon 53 is replaced by phenylalanine, an amino acid with highly similar properties. This amino acid position is conserved. In addition, this alteration is predicted to be tolerated by in silico analysis. Based on the available evidence, the clinical significance of this variant remains unclear.

Labcorp Genetics (formerly Invitae), Labcorp
Classification: Uncertain significance for Melanoma, cutaneous malignant, susceptibility to, 5. Last evaluated: 2024-08-01. Review status: criteria provided, single submitter. Criteria: Invitae Variant Classification Sherloc (09022015). Collection method: clinical testing. Allele origin: germline.
Comment: This sequence change replaces leucine, which is neutral and non-polar, with phenylalanine, which is neutral and non-polar, at codon 53 of the MC1R protein (p.Leu53Phe). This variant is present in population databases (rs754647280, gnomAD 0.02%). This variant has not been reported in the literature in individuals affected with MC1R-related conditions. ClinVar contains an entry for this variant (Variation ID: 1478304). Advanced modeling of protein sequence and biophysical properties (such as structural, functional, and spatial information, amino acid conservation, physicochemical variation, residue mobility, and thermodynamic stability) performed at Invitae indicates that this missense variant is not expected to disrupt MC1R protein function with a negative predictive value of 80%. In summary, the available evidence is currently insufficient to determine the role of this variant in disease. Therefore, it has been classified as a Variant of Uncertain Significance.